The following is an entry in ClinVar:

ClinVar aggregate classification (germline): Pathogenic (1 of 4 stars; one submission).

Conditions:
Familial adenomatous polyposis 2. Also called: FAP type 2; COLORECTAL ADENOMATOUS POLYPOSIS, AUTOSOMAL RECESSIVE; ADENOMAS, MULTIPLE COLORECTAL, AUTOSOMAL RECESSIVE; MYH-associated polyposis; Adenomas, multiple colorectal; MUTYH-associated polyposis. Identifiers: Orphanet 220460, Orphanet 247798, MedGen C3272841, MONDO:0012041, OMIM 608456.

Submission:

Labcorp Genetics (formerly Invitae), Labcorp
Classification: Pathogenic for Familial adenomatous polyposis 2. Last evaluated: 2024-06-25. Review status: criteria provided, single submitter. Criteria: Invitae Variant Classification Sherloc (09022015). Collection method: clinical testing. Allele origin: germline.
Comment: This sequence change results in a frameshift in the MUTYH gene (p.Ser518Argfs*52). While this is not anticipated to result in nonsense mediated decay, it is expected to disrupt the last 32 amino acid(s) of the MUTYH protein and extend the protein by 19 additional amino acid residues. This variant is not present in population databases (gnomAD no frequency). This variant has not been reported in the literature in individuals affected with MUTYH-related conditions. This variant disrupts the conserved PCNA binding motif of the MUTYH protein, which has been shown to be critical for MUTYH-PCNA binding and repair efficiency (PMID: 11092888, 26377631, 11433026, 11864576). While functional studies have not been performed to directly test the effect of this variant on MUTYH protein function, this suggests that disruption of this region of the protein is causative of disease. This variant results in an extension of the MUTYH protein. Other variant(s) that result in a similarly extended protein product (p.Ala547Glufs*24) have been determined to be pathogenic (PMID: 34704405; external communication). This suggests that these extensions are likely to be disease-causing. For these reasons, this variant has been classified as Pathogenic.

Literature cited by the submitters: PubMed 11092888; PubMed 26377631; PubMed 11433026; PubMed 11864576; PubMed 34704405.

NM_001048174.2(MUTYH):c.1470_1473del (p.Ser490fs)

Gene: MUTYH (mutY DNA glycosylase; minus strand). Cytogenetic location: 1p34.1.
Variant type: Deletion.
Coding change: c.1470_1473del on transcript NM_001048174.2 (MANE Select); coding-DNA positions 1470 to 1473, 4 bases deleted (TCGG; older notation c.1470_1473delTCGG).
Protein change: p.Ser490fs; shifts the reading frame from serine 490.
Molecular consequence: frameshift variant. On other transcripts: non-coding transcript variant (7).
Genome position (GRCh38, 1-based): chr1:45,329,399-45,329,402, CCGA deleted on the plus strand (TCGG on the coding strand, the reverse complement: MUTYH is on the minus strand); deleting any 4 consecutive bases within chr1:45,329,399-45,329,403 gives the same sequence; the c. name uses the placement nearest the transcript's 3' end. VCF-style (leftmost placement, unchanged base first): chr1-45329398-TCCGA-T. GRCh37 (hg19) VCF-style: chr1-45795070-TCCGA-T.
Other names: c.1470_1473del, p.Ser490fs (NM_001048171.2, NM_001048173.2, NM_001293195.2 and 6 more transcripts); c.1473_1476del, p.Ser491fs (NM_001048172.2, NM_001407078.1, NM_001407086.1 and 1 more transcripts); c.1554_1557del, p.Ser518fs (NM_001128425.2); c.1515_1518del, p.Ser505fs (NM_001293190.2); c.1503_1506del, p.Ser501fs (NM_001293191.2, NM_001407069.1, NM_001407077.1); c.1194_1197del, p.Ser398fs (NM_001293192.2, NM_001407091.1, NM_001293196.2); c.1431_1434del, p.Ser477fs (NM_001407079.1); c.1428_1431del, p.Ser476fs (NM_001407080.1); and 5 more; short protein forms S476fs, S491fs, S501fs, S505fs, S515fs, S375fs, S398fs, S477fs.
Identifiers: ClinVar variation 3657762 (VCV003657762.2).